The following is an entry in ClinVar:

ClinVar aggregate classification (germline): Benign/Likely benign. Review status: criteria provided, multiple submitters, no conflicts (2 of 4 stars). 7 submissions from 6 submitters: Benign (1); Likely benign (6). Last evaluated 2026-02-01.

Conditions:
Freeman-Sheldon syndrome (DA2A). Also called: CRANIOCARPOTARSAL DYSPLASIA; CRANIOCARPOTARSAL DYSTROPHY; WHISTLING FACE-WINDMILL VANE HAND SYNDROME; Arthrogryposis, distal, type 2A (Freeman-Sheldon). Identifiers: Orphanet 2053, MedGen C0265224, MONDO:0008675, OMIM 193700.
Distal arthrogryposis type 2B1 (DA2B1). Also called: Arthrogryposis multiplex congenita distal type II with craniofacial abnormalities. Identifiers: Orphanet 1147, MedGen C5193014, MONDO:0020820, OMIM 601680.

Allele frequency attached by ClinVar (database versions not stated): 1000 Genomes Project 0.00120; TOPMed 0.00122; gnomAD 0.00096 and 0.00097; ExAC 0.00098; ESP Exome Variant Server 0.00108; gnomAD exomes 0.00108; 1000 Genomes Project 30x 0.00109.
gnomAD v4.1: 1,779 of 1,613,932 alleles (0.11%); highest among the groups gnomAD compares: Admixed American, 0.2%; 4 homozygotes.

Submissions (7):

Labcorp Genetics (formerly Invitae), Labcorp
Classification: Likely benign. Last evaluated: 2026-02-01. Review status: criteria provided, single submitter. Criteria: Invitae Variant Classification Sherloc (09022015). Collection method: clinical testing. Allele origin: germline.

CeGaT Center for Human Genetics Tuebingen
Classification: Likely benign. Last evaluated: 2025-04-01. Review status: criteria provided, single submitter. Criteria: CeGaT Center For Human Genetics Tuebingen Variant Classification Criteria Version 2. Collection method: clinical testing. Allele origin: germline. Affected: yes. Observed: 1 variant allele.
Comment: MYH3: BP4, BP7

Blueprint Genetics
Classification: Likely benign. Last evaluated: 2024-11-21. Review status: criteria provided, single submitter. Criteria: ACMG Guidelines, 2015. Collection method: clinical testing. Allele origin: germline.

Illumina Laboratory Services, Illumina
Classification: Likely benign for Distal arthrogryposis type 2B1. Last evaluated: 2018-01-12. Review status: criteria provided, single submitter. Criteria: ICSL Variant Classification Criteria 13 December 2019. Collection method: clinical testing. Allele origin: germline.
Comment: This variant was observed in the ICSL laboratory as part of a predisposition screen in an ostensibly healthy population. It had not been previously curated by ICSL or reported in the Human Gene Mutation Database (HGMD: prior to June 1st, 2018), and was therefore a candidate for classification through an automated scoring system. Utilizing variant allele frequency, disease prevalence and penetrance estimates, and inheritance mode, an automated score was calculated to assess if this variant is too frequent to cause the disease. Based on the score and internal cut-off values, a variant classified as likely benign is not then subjected to further curation. The score for this variant resulted in a classification of likely benign for this disease.

Illumina Laboratory Services, Illumina
Classification: Benign for Freeman-Sheldon syndrome. Last evaluated: 2018-01-12. Review status: criteria provided, single submitter. Criteria: ICSL Variant Classification Criteria 13 December 2019. Collection method: clinical testing. Allele origin: germline.
Comment: This variant was observed in the ICSL laboratory as part of a predisposition screen in an ostensibly healthy population. It had not been previously curated by ICSL or reported in the Human Gene Mutation Database (HGMD: prior to June 1st, 2018), and was therefore a candidate for classification through an automated scoring system. Utilizing variant allele frequency, disease prevalence and penetrance estimates, and inheritance mode, an automated score was calculated to assess if this variant is too frequent to cause the disease. Based on the score and internal cut-off values, a variant classified as benign is not then subjected to further curation. The score for this variant resulted in a classification of benign for this disease.

Genetic Services Laboratory, University of Chicago
Classification: Likely benign. Last evaluated: 2015-08-31. Review status: criteria provided, single submitter. Criteria: ACMG Guidelines, 2015. Collection method: clinical testing. Allele origin: germline. Affected: no.

PreventionGenetics, part of Exact Sciences
Classification: Likely benign. Review status: criteria provided, single submitter. Criteria: ACMG Guidelines, 2015. Collection method: clinical testing. Allele origin: germline.

NM_002470.4(MYH3):c.2883C>A (p.Thr961=)

Gene: MYH3 (myosin heavy chain 3; minus strand). Cytogenetic location: 17p13.1.
Variant type: single nucleotide variant.
Coding change: c.2883C>A on transcript NM_002470.4 (MANE Select); coding-DNA position 2883, C replaced by A.
Protein change: p.Thr961=; no amino-acid change (threonine 961 retained).
Molecular consequence: synonymous variant.
Genome position (GRCh38, 1-based): chr17:10,639,602, G>T on the plus strand (C>A on the coding strand, the complement: MYH3 is on the minus strand). VCF-style: chr17-10639602-G-T. GRCh37 (hg19) VCF-style: chr17-10542919-G-T.
Identifiers: ClinVar variation 258675 (VCV000258675.26), dbSNP rs144338240, ClinGen allele CA8392664.
Genomic context (GRCh38, chr17:10,639,602, plus strand): 5'-CACCTACAATAAGAATACCTTGTTCTCTGTGGCATGCTTCTCCTTCTCAACCTTGGCCAG[G>T]GTCAACTCAAGGTCATCAATGTCTTTCTTGAGCTCTGAGCATTCATCCTCCAGTTTCCTC-3'
Protein context (NP_002461.2, residues 951-971): LKKDIDDLEL[Thr961=]LAKVEKEKHA